The following is an entry in ClinVar:

NM_174878.3(CLRN1):c.144T>G (p.Asn48Lys)

Genes: CLRN1 (clarin 1; minus strand), CLRN1-AS1 (CLRN1 antisense RNA 1; plus strand). Cytogenetic location: 3q25.1.
Variant type: single nucleotide variant.
Coding change: c.144T>G on transcript NM_174878.3 (MANE Select); coding-DNA position 144, T replaced by G.
Protein change: p.Asn48Lys; replaces asparagine 48 with lysine.
Molecular consequence: missense variant. On other transcripts: non-coding transcript variant (1).
Genome position (GRCh38, 1-based): chr3:150,972,565, A>C on the plus strand (T>G on the coding strand, the complement: CLRN1 is on the minus strand). VCF-style: chr3-150972565-A-C. GRCh37 (hg19) VCF-style: chr3-150690352-A-C.
Other names: NM_001195794.1(CLRN1):c.144T>G; c.144T>G, p.Asn48Lys (NM_001195794.1, NM_001256819.2); short protein forms N48K.
Identifiers: ClinVar variation 4395 (VCV000004395.55), dbSNP rs111033258, ClinGen allele CA116825.

ClinVar aggregate classification (germline): Pathogenic. Review status: criteria provided, multiple submitters, no conflicts (2 of 4 stars). 24 submissions from 22 submitters: Pathogenic (20). 4 of the submissions do not count toward it. Last evaluated 2026-07-27.

Conditions:
CLRN1-related disorder. Also called: CLRN1-related condition.
Usher syndrome type 3A (USH3A). Also called: USHER SYNDROME, TYPE IIIA. Identifiers: MedGen C5779850, MONDO:0010170, OMIM 276902.
Retinitis pigmentosa (RP). Identifiers: Orphanet 791, MedGen C0035334, MeSH D012174, MONDO:0019200, OMIM 268000. Inheritance: Autosomal dominant, autosomal recessive and X linked inheritance.
Retinitis pigmentosa 61 (RP61). Identifiers: Orphanet 791, MedGen C3280041, MONDO:0013610, OMIM 614180.
Usher syndrome type 3. Also called: Usher Syndrome, Type III. Identifiers: Orphanet 231183, MedGen C1568248, MONDO:0016485.

Allele frequency attached by ClinVar (database versions not stated): ESP Exome Variant Server 0.00008; gnomAD 0.00015 and 0.00016; TOPMed 0.00015; ExAC 0.00021; gnomAD exomes 0.00027.
gnomAD v4.1: 222 of 1,614,134 alleles (0.014%); highest among the groups gnomAD compares: Non-Finnish European, 0.0022%; 1 homozygote.

Submissions 1 to 12 of 24:

PreventionGenetics, part of Exact Sciences
Classification: Pathogenic for CLRN1-related condition. Last evaluated: 2026-07-27. Review status: criteria provided, single submitter. Criteria: ACMG Guidelines, 2015. Collection method: clinical testing. Allele origin: germline.
Comment: The CLRN1 c.144T>G variant is predicted to result in the amino acid substitution p.Asn48Lys. This variant has been reported to be causative for Usher syndrome and retinitis pigmentosa (see for examples, Adato et al. 2002. PubMed ID: 12080385; Table S2, Carss et al. 2017. PubMed ID: 28041643; Elasal et al. 2024. PubMed ID: 39596563; Takahashi et al. 2019. PubMed ID: 31370859). This variant is reported in 0.58% of alleles in individuals of Ashkenazi Jewish descent in gnomAD. This variant is interpreted as pathogenic.

Labcorp Genetics (formerly Invitae), Labcorp
Classification: Pathogenic. Last evaluated: 2026-02-02. Review status: criteria provided, single submitter. Criteria: Invitae Variant Classification Sherloc (09022015). Collection method: clinical testing. Allele origin: germline.
Comment: This sequence change replaces asparagine, which is neutral and polar, with lysine, which is basic and polar, at codon 48 of the CLRN1 protein (p.Asn48Lys). This variant is present in population databases (rs111033258, gnomAD 0.5%). This missense change has been observed in individuals with CLRN1-related conditions (PMID: 12080385, 14569126, 18281613). It has also been observed to segregate with disease in related individuals. ClinVar contains an entry for this variant (Variation ID: 4395). An algorithm developed to predict the effect of missense changes on protein structure and function (PolyPhen-2) suggests that this variant is likely to be disruptive. Experimental studies have shown that this missense change affects CLRN1 function (PMID: 22787034, 26180195). For these reasons, this variant has been classified as Pathogenic.

Otogenetics
Classification: Pathogenic for Retinitis pigmentosa 61. Last evaluated: 2025-11-21. Review status: criteria provided, single submitter. Criteria: ACMG Guidelines, 2015. Collection method: clinical testing. Allele origin: germline.
Comment: PM1: Non-truncating non-synonymous variant located in a well-established functional domain (N-glycosylation site) of protein product (PMID: 19753315, 22787034); PM3_VeryStrong: Variant reported in homozygous state in two affected individuals and in trans with 5 pathogenic variants in 5 individuals affected with Usher syndrome (PMID: 19753315, 22964989, 28041643, 35481838, 39596563); PM5: Pathogenic missense amino acid changes occur in same position: c.142A>G p.Asn48Asp (SCV002176297.4)

Variantyx, Inc.
Classification: Pathogenic for Usher syndrome type 3A. Last evaluated: 2025-03-01. Review status: criteria provided, single submitter. Criteria: Variantyx Assertion Criteria 2022. Collection method: clinical testing. Allele origin: maternal. Inheritance: Autosomal recessive inheritance.
Comment: This is a nonsynonymous variant in the CLRN1 gene (OMIM: 606397). Pathogenic variants in this gene have been associated with autosomal recessive Usher syndrome type 3A. This variant has been identified in the homozygous or compound heterozygous state in one or more of the following: the current proband, several individual(s) reported in the published literature (PMID:12080385, 12145752, 18281613), or previous internal cases (PM3). This variant has been observed to segregate with disease in at least 12 individuals from 10 families (PMID: 14569126) (PP1_Strong). Functional studies have shown that this variant alters CLRN1 protein function (PMID: 22787034) (PS3). This variant has a 0.0022% maximum allele frequency in non-founder control populations (PM2). Computational algorithms produce conflicting evidence regarding the predicted functional impact of this variant (REVEL score: 0.522). Based on the current evidence, this variant is classified as pathogenic for autosomal recessive Usher syndrome type 3A.

Laboratory of Genetics, Children's Clinical University Hospital Latvia
Classification: Pathogenic. Last evaluated: 2025-02-16. Review status: criteria provided, single submitter. Criteria: ACMG Guidelines, 2015. Collection method: clinical testing. Allele origin: germline. Affected: yes.

Natera, Inc.
Classification: Pathogenic for Usher syndrome type 3. Last evaluated: 2024-11-13. Review status: criteria provided, single submitter. Criteria: Natera Variant Classification Schema (03/2026). Collection method: clinical testing. Allele origin: germline.
Comment: The c.144T>G variant in CLRN1 is a missense variant predicted to cause substitution of asparagine to lysine at amino acid 48. This variant is rare in the general population with a frequency below the threshold expected for the associated phenotype(s). This variant has been observed in one or more individuals affected with the associated recessive disease, as either homozygous or compound heterozygous with a second variant (PMID: 35481838, 22135276, 12080385, 27460420). Additionally, this variant has been observed to segregate in affected family members (PMID: 12080385). Computational prediction algorithms indicate this variant is likely to affect gene or protein function. Given the available evidence, this variant is classified as Pathogenic.

Blueprint Genetics
Classification: Pathogenic for CLRN1-related disorders. Last evaluated: 2024-09-21. Review status: criteria provided, single submitter. Criteria: ACMG Guidelines, 2015. Collection method: clinical testing. Allele origin: germline. Affected: yes. Observed: 5 variant alleles.

Revvity Omics, Revvity
Classification: Pathogenic. Last evaluated: 2024-05-17. Review status: criteria provided, single submitter. Criteria: ACMG Guidelines, 2015. Collection method: clinical testing. Allele origin: germline.

Fulgent Genetics
Classification: Pathogenic for Usher syndrome type 3A; Retinitis pigmentosa 61. Last evaluated: 2024-04-08. Review status: criteria provided, single submitter. Criteria: ACMG Guidelines, 2015. Collection method: clinical testing. Allele origin: germline.

Baylor Genetics
Classification: Pathogenic for Retinitis pigmentosa 61. Last evaluated: 2024-03-28. Review status: criteria provided, single submitter. Criteria: ACMG Guidelines, 2015. Collection method: clinical testing. Allele origin: unknown.

Broad Center for Mendelian Genomics, Broad Institute of MIT and Harvard
Classification: Pathogenic for Usher syndrome type 3A. Last evaluated: 2022-05-04. Review status: criteria provided, single submitter. Criteria: ACMG Guidelines, 2015. Collection method: curation. Allele origin: germline. Inheritance: Autosomal recessive inheritance.
Comment: The variant has been reported in at least 20 Ashkenazi Jewish individuals with Usher syndrome type 3A (PMID: 12080385, 145691260), segregated with disease in 12 affected relatives from 7 families (PMID: 145691260), and has been identified in 0.6% (58/10080) of Ashkenazi Jewish chromosomes by the Genome Aggregation Database (gnomAD; dbSNP ID: rs111033258). Although this variant has been seen in the general population, its frequency is not high enough to rule out a pathogenic role. This variant has also been reported in ClinVar (Variation ID: 4395) as pathogenic by many submitters, as likely pathogenic by NIHR Bioresource Rare Diseases, University of Cambridge, and as having uncertain significance by Illumina Clinical Services Laboratory. Animal models in mice and zebrafish have shown that this variant causes Usher syndrome type 3A (PMID: 26180195, 22787034). Computational prediction tools and conservation analyses do not provide strong support for or against an impact to the protein. The presence of this variant in at least 20 affected homozygotes and in at least 20 individuals with Usher syndrome type 3A increases the likelihood that the p.Asn48Lys variant is pathogenic (PMID: 12080385, 145691260). In summary, this variant meets criteria to be classified as pathogenic for Usher syndrome type 3A in an autosomal recessive manner based on its homozygous occurrence and expected segregation pattern in affected individuals and families, as well as functional evidence that shows a damaging effect. ACMG/AMP Criteria applied: PS3, PP1_strong, PM3 (Richards 2015).

GeneDx
Classification: Pathogenic. Last evaluated: 2021-10-28. Review status: criteria provided, single submitter. Criteria: GeneDx Variant Classification Process June 2021. Collection method: clinical testing. Allele origin: germline. Affected: yes.
Comment: Reported as the most common pathogenic variant in the CLRN1 gene among North Americans and is reported as a founder mutation in the Ashkenazi Jewish population (Adato et al., 2002; Herrera et al., 2008; Geng et al., 2012); Published functional studies demonstrate impaired Clrn1 protein localization to the cochlear hair cell bundle (Geng et al., 2012); In silico analysis, which includes protein predictors and evolutionary conservation, supports a deleterious effect; This variant is associated with the following publications: (PMID: 12145752, 28041643, 25262649, 12080385, 22787034, 18281613, 14569126, 19423712, 26180195, 29490346, 31097578, 25333069, 28559085, 30924848, 31370859, 31456290, 31980526)